The following is an entry in ClinVar:

NC_000019.9:g.(?_39904727)_(42931301_?)dup

Genes: ACTMAP (actin maturation protease; minus strand), AKT2 (AKT serine/threonine kinase 2; minus strand), ARHGEF1 (Rho guanine nucleotide exchange factor 1; plus strand), ATP1A3 (ATPase Na+/K+ transporting subunit alpha 3; minus strand), AXL (AXL receptor tyrosine kinase; plus strand) and 81 more. Cytogenetic location: 19q13.2.
Variant type: Duplication.
Identifiers: ClinVar variation 2423350 (VCV002423350.11).

ClinVar aggregate classification (germline): Uncertain significance. Review status: criteria provided, single submitter (1 of 4 stars). 4 submissions from 1 submitter: Uncertain significance (4). Last evaluated 2022-08-11.

Conditions:
TWIST1-related craniosynostosis (CRS1). Also called: CRANIOSYNOSTOSIS 1. Identifiers: Orphanet 63440, MedGen C4551902, MONDO:0007399, OMIM 123100. Inheritance: Heterogenous inheritance pattern.
Diamond-Blackfan anemia. Also called: Blackfan Diamond syndrome; Aregenerative anemia chronic congenital; Red cell aplasia, pure hereditary; Congenital hypoplastic anemia; Aase syndrome. Identifiers: Orphanet 124, MedGen C1260899, MeSH D029503, MONDO:0015253, HP:0004810.
Maple syrup urine disease (MSUD). Identifiers: Orphanet 511, MedGen C0024776, MeSH D008375, MONDO:0009563. Disease mechanism: loss of function.
MEGF8-related Carpenter syndrome. Also called: Carpenter syndrome 2. Identifiers: Orphanet 65759, MedGen C3554247, MONDO:0013998, OMIM 614976.

Submissions (4):

Labcorp Genetics (formerly Invitae), Labcorp
Classification: Uncertain significance for Diamond-Blackfan anemia. Last evaluated: 2022-08-11. Review status: criteria provided, single submitter. Criteria: Invitae Variant Classification Sherloc (09022015). Collection method: clinical testing. Allele origin: germline.
Comment: A copy number gain of the genomic region encompassing the full coding sequence of the RPS19 gene has been identified. The boundaries of this event are unknown as they extend beyond the assayed region for this gene and therefore may encompass additional genes. As the precise location of this event is unknown, it may be in tandem or it may be located elsewhere in the genome. This variant has not been reported in the literature in individuals affected with RPS19-related conditions. Experimental studies and prediction algorithms are not available or were not evaluated, and the functional significance of this variant is currently unknown. In summary, the available evidence is currently insufficient to determine the role of this variant in disease. Therefore, it has been classified as a Variant of Uncertain Significance.

Labcorp Genetics (formerly Invitae), Labcorp
Classification: Uncertain significance for TWIST1-related craniosynostosis. Last evaluated: 2022-08-11. Review status: criteria provided, single submitter. Criteria: Invitae Variant Classification Sherloc (09022015). Collection method: clinical testing. Allele origin: germline.
Comment: In summary, the available evidence is currently insufficient to determine the role of this variant in disease. Therefore, it has been classified as a Variant of Uncertain Significance. This variant has not been reported in the literature in individuals affected with ERF-related conditions. A copy number gain of the genomic region encompassing the full coding sequence of the ERF gene has been identified. The boundaries of this event are unknown as they extend beyond the assayed region for this gene and therefore may encompass additional genes. As the precise location of this event is unknown, it may be in tandem or it may be located elsewhere in the genome.

Labcorp Genetics (formerly Invitae), Labcorp
Classification: Uncertain significance for MEGF8-related Carpenter syndrome. Last evaluated: 2022-08-11. Review status: criteria provided, single submitter. Criteria: Invitae Variant Classification Sherloc (09022015). Collection method: clinical testing. Allele origin: germline.
Comment: A copy number gain of the genomic region encompassing the full coding sequence of the MEGF8 gene has been identified. The boundaries of this event are unknown as they extend beyond the assayed region for this gene and therefore may encompass additional genes. As the precise location of this event is unknown, it may be in tandem or it may be located elsewhere in the genome. This variant has not been reported in the literature in individuals affected with MEGF8-related conditions. In summary, the available evidence is currently insufficient to determine the role of this variant in disease. Therefore, it has been classified as a Variant of Uncertain Significance.

Labcorp Genetics (formerly Invitae), Labcorp
Classification: Uncertain significance for Maple syrup urine disease. Last evaluated: 2022-08-11. Review status: criteria provided, single submitter. Criteria: Invitae Variant Classification Sherloc (09022015). Collection method: clinical testing. Allele origin: germline.
Comment: A copy number gain of the genomic region encompassing the full coding sequence of the BCKDHA gene has been identified. The boundaries of this event are unknown as they extend beyond the assayed region for this gene and therefore may encompass additional genes. As the precise location of this event is unknown, it may be in tandem or it may be located elsewhere in the genome. This variant has not been reported in the literature in individuals affected with BCKDHA-related conditions. In summary, the available evidence is currently insufficient to determine the role of this variant in disease. Therefore, it has been classified as a Variant of Uncertain Significance.